The following is an entry in ClinVar:

NM_014391.3(ANKRD1):c.532C>G (p.Gln178Glu)

Gene: ANKRD1 (ankyrin repeat domain 1; minus strand). Cytogenetic location: 10q23.31.
Variant type: single nucleotide variant.
Coding change: c.532C>G on transcript NM_014391.3 (MANE Select); coding-DNA position 532, C replaced by G.
Protein change: p.Gln178Glu; replaces glutamine 178 with glutamic acid.
Molecular consequence: missense variant.
Genome position (GRCh38, 1-based): chr10:90,917,752, G>C on the plus strand (C>G on the coding strand, the complement: ANKRD1 is on the minus strand). VCF-style: chr10-90917752-G-C. GRCh37 (hg19) VCF-style: chr10-92677509-G-C.
Other names: short protein forms Q178E.
Identifiers: ClinVar variation 663667 (VCV000663667.8), dbSNP rs991572068, ClinGen allele CA211423314.
Genomic context (GRCh38, chr10:90,917,752, plus strand): 5'-ACTTCTTTTGGCTCATTCCCAAGCAAAGAAATATATTTACCATATCACGGAATTCGATCT[G>C]GGCTCCAGCTTCCATTAACTTCTCCACAATTGCCAAATGTCCTTCCAAGCATGCTCTATG-3'
Protein context (NP_055206.2, residues 168-188): IVEKLMEAGA[Gln178Glu]IEFRDMLEST

ClinVar aggregate classification (germline): Uncertain significance (1 of 4 stars; one submission).

Conditions:
ANKRD1-related dilated cardiomyopathy. Identifiers: MedGen CN119551.

Allele frequency attached by ClinVar (database versions not stated): gnomAD exomes below 0.00001; TOPMed below 0.00001; gnomAD 0.00001.

Submission:

Labcorp Genetics (formerly Invitae), Labcorp
Classification: Uncertain significance for ANKRD1-related dilated cardiomyopathy. Last evaluated: 2018-09-26. Review status: criteria provided, single submitter. Criteria: Invitae Variant Classification Sherloc (09022015). Collection method: clinical testing. Allele origin: germline.
Comment: This sequence change replaces glutamine with glutamic acid at codon 178 of the ANKRD1 protein (p.Gln178Glu). The glutamine residue is moderately conserved and there is a small physicochemical difference between glutamine and glutamic acid. This variant is not present in population databases (ExAC no frequency). This variant has not been reported in the literature in individuals with ANKRD1-related disease. Algorithms developed to predict the effect of missense changes on protein structure and function (SIFT, PolyPhen-2, Align-GVGD) all suggest that this variant is likely to be tolerated, but these predictions have not been confirmed by published functional studies and their clinical significance is uncertain. In summary, the available evidence is currently insufficient to determine the role of this variant in disease. Therefore, it has been classified as a Variant of Uncertain Significance.